The following is an entry in ClinVar:

ClinVar aggregate classification (germline): Conflicting classifications of pathogenicity. Review status: criteria provided, conflicting classifications (1 of 4 stars). 5 submissions from 5 submitters: Uncertain significance (4); Likely benign (1). Last evaluated 2026-01-12.

Conditions:
Hereditary cancer-predisposing syndrome. Also called: Neoplastic Syndromes, Hereditary; Hereditary neoplastic syndrome; Tumor predisposition; Hereditary Cancer Syndrome. Identifiers: Orphanet 140162, MedGen C0027672, MeSH D009386, MONDO:0015356.
Hereditary pheochromocytoma and paraganglioma. Also called: Hereditary Paraganglioma-Pheochromocytoma Syndromes; Hereditary paragangliomas and pheochromocytomas; Hereditary pheochromocytoma-paraganglioma. Identifiers: Orphanet 29072, MedGen C4274332, MONDO:0017366.
Pheochromocytoma/paraganglioma syndrome 2. Also called: SDHAF2-Related Hereditary Paraganglioma-Pheochromocytoma Syndrome (Paragangliomas 2); SDHAF2-Related Hereditary Paraganglioma-Pheochromocytoma Syndrome; GLOMUS TUMORS, FAMILIAL, 2; Paragangliomas 2. Identifiers: Orphanet 29072, MedGen C1866552, MONDO:0011121, OMIM 601650.

Allele frequency attached by ClinVar (database versions not stated): ExAC 0.00001; gnomAD exomes 0.00001; TOPMed 0.00002.
gnomAD v4.1: 18 of 1,614,180 alleles (0.0011%); highest among the groups gnomAD compares: Admixed American, 0.0017%; no homozygotes.

Submissions (5):

Labcorp Genetics (formerly Invitae), Labcorp
Classification: Uncertain significance for Hereditary pheochromocytoma and paraganglioma. Last evaluated: 2026-01-12. Review status: criteria provided, single submitter. Criteria: Invitae Variant Classification Sherloc (09022015). Collection method: clinical testing. Allele origin: germline.
Comment: This sequence change replaces arginine, which is basic and polar, with histidine, which is basic and polar, at codon 166 of the SDHAF2 protein (p.Arg166His). This variant is present in population databases (rs768048172, gnomAD 0.003%). This variant has not been reported in the literature in individuals affected with SDHAF2-related conditions. ClinVar contains an entry for this variant (Variation ID: 463831). An algorithm developed to predict the effect of missense changes on protein structure and function outputs the following: PolyPhen-2: "Benign". The histidine amino acid residue is found in multiple mammalian species, which suggests that this missense change does not adversely affect protein function. In summary, the available evidence is currently insufficient to determine the role of this variant in disease. Therefore, it has been classified as a Variant of Uncertain Significance.

All of Us Research Program, National Institutes of Health
Classification: Uncertain significance for Hereditary pheochromocytoma and paraganglioma. Last evaluated: 2024-04-25. Review status: criteria provided, single submitter. Criteria: ACMG Guidelines, 2015. Collection method: clinical testing. Allele origin: germline. Inheritance: Autosomal dominant inheritance. Observed: 1 variant allele, 1 heterozygote.
Comment: This missense variant replaces arginine with histidine at codon 166 of the SDHAF2 protein. Computational prediction suggests that this variant may not impact protein structure and function (internally defined REVEL score threshold <= 0.5, PMID: 27666373). To our knowledge, functional studies have not been reported for this variant. This variant has not been reported in individuals affected with SDHAF2-related disorders in the literature. This variant has been identified in 2/251452 chromosomes in the general population by the Genome Aggregation Database (gnomAD). The available evidence is insufficient to determine the role of this variant in disease conclusively. Therefore, this variant is classified as a Variant of Uncertain Significance.

This study involves interpretation of variants in research participants for the purpose of population health screening. Participant phenotype was not available at the time of variant classification. Additional details can be found in publication PMID: 35346344, PMCID: PMC8962531

Baylor Genetics
Classification: Uncertain significance for Pheochromocytoma/paraganglioma syndrome 2. Last evaluated: 2024-03-25. Review status: criteria provided, single submitter. Criteria: ACMG Guidelines, 2015. Collection method: clinical testing. Allele origin: unknown.

Fulgent Genetics
Classification: Uncertain significance for Pheochromocytoma/paraganglioma syndrome 2. Last evaluated: 2022-01-14. Review status: criteria provided, single submitter. Criteria: ACMG Guidelines, 2015. Collection method: clinical testing. Allele origin: unknown.

Ambry Genetics
Classification: Likely benign for Hereditary cancer-predisposing syndrome. Last evaluated: 2021-06-23. Review status: criteria provided, single submitter. Criteria: Ambry Variant Classification Scheme 2023. Collection method: clinical testing. Allele origin: germline.

NM_017841.4(SDHAF2):c.497G>A (p.Arg166His)

Gene: SDHAF2 (succinate dehydrogenase complex assembly factor 2; plus strand). Cytogenetic location: 11q12.2.
Variant type: single nucleotide variant.
Coding change: c.497G>A on transcript NM_017841.4 (MANE Select); coding-DNA position 497, G replaced by A.
Protein change: p.Arg166His; replaces arginine 166 with histidine.
Molecular consequence: missense variant.
Genome position (GRCh38, 1-based): chr11:61,446,067, G>A. VCF-style: chr11-61446067-G-A. GRCh37 (hg19) VCF-style: chr11-61213539-G-A.
Other names: short protein forms R166H.
Identifiers: ClinVar variation 463831 (VCV000463831.11), dbSNP rs768048172, ClinGen allele CA059440.